The following is an entry in ClinVar:

NM_000744.7(CHRNA4):c.938C>A (p.Thr313Asn)

Gene: CHRNA4 (cholinergic receptor nicotinic alpha 4 subunit; minus strand). Cytogenetic location: 20q13.33.
Variant type: single nucleotide variant.
Coding change: c.938C>A on transcript NM_000744.7 (MANE Select); coding-DNA position 938, C replaced by A.
Protein change: p.Thr313Asn; replaces threonine 313 with asparagine.
Molecular consequence: missense variant. On other transcripts: non-coding transcript variant (1).
Genome position (GRCh38, 1-based): chr20:63,350,473, G>T on the plus strand (C>A on the coding strand, the complement: CHRNA4 is on the minus strand). VCF-style: chr20-63350473-G-T. GRCh37 (hg19) VCF-style: chr20-61981825-G-T.
Other names: c.410C>A, p.Thr137Asn (NM_001256573.2); short protein forms T137N, T313N.
Identifiers: ClinVar variation 3707646 (VCV003707646.2).

ClinVar aggregate classification (germline): Likely pathogenic (1 of 4 stars; one submission).

Conditions:
Familial sleep-related hypermotor epilepsy. Also called: Autosomal Dominant Sleep-Related Hypermotor (Hyperkinetic) Epilepsy. Identifiers: Orphanet 98784, MedGen C3696898, MONDO:0000030.

Submission:

Labcorp Genetics (formerly Invitae), Labcorp
Classification: Likely pathogenic. Last evaluated: 2025-02-20. Review status: criteria provided, single submitter. Criteria: Invitae Variant Classification Sherloc (09022015). Collection method: clinical testing. Allele origin: germline.
Comment: This sequence change replaces threonine, which is neutral and polar, with asparagine, which is neutral and polar, at codon 313 of the CHRNA4 protein (p.Thr313Asn). This variant is not present in population databases (gnomAD no frequency). This missense change has been observed in individual(s) with autosomal dominant nocturnal frontal lobe epilepsy (internal data). In at least one individual the variant was observed to be de novo. Invitae Evidence Modeling of protein sequence and biophysical properties (such as structural, functional, and spatial information, amino acid conservation, physicochemical variation, residue mobility, and thermodynamic stability) indicates that this missense variant is not expected to disrupt CHRNA4 protein function with a negative predictive value of 80%. In summary, the currently available evidence indicates that the variant is pathogenic, but additional data are needed to prove that conclusively. Therefore, this variant has been classified as Likely Pathogenic.